The following is an entry in ClinVar:

NM_006035.4(CDC42BPB):c.1071T>A (p.Tyr357Ter)

Gene: CDC42BPB (CDC42 binding protein kinase beta; minus strand). Cytogenetic location: 14q32.32.
Variant type: single nucleotide variant.
Coding change: c.1071T>A on transcript NM_006035.4 (MANE Select); coding-DNA position 1071, T replaced by A.
Protein change: p.Tyr357Ter; replaces tyrosine 357 with a stop codon.
Molecular consequence: nonsense.
Genome position (GRCh38, 1-based): chr14:102,980,842, A>T on the plus strand (T>A on the coding strand, the complement: CDC42BPB is on the minus strand). VCF-style: chr14-102980842-A-T. GRCh37 (hg19) VCF-style: chr14-103447179-A-T.
Other names: short protein forms Y357*.
Identifiers: ClinVar variation 1309021 (VCV001309021.2), dbSNP rs1893964617, ClinGen allele CA391090661.

ClinVar aggregate classification (germline): Uncertain significance (1 of 4 stars; one submission).

Submission:

GeneDx
Classification: Uncertain significance. Last evaluated: 2019-10-03. Review status: criteria provided, single submitter. Criteria: GeneDx Variant Classification Process June 2021. Collection method: clinical testing. Allele origin: germline. Affected: yes.
Comment: Not observed in large population cohorts (Lek et al., 2016); Nonsense variant predicted to result in protein truncation or nonsense mediated decay in a gene for which loss-of-function is not a known mechanism of disease; Has not been previously published as pathogenic or benign to our knowledge; Variants in candidate genes are classified as variants of uncertain significance in accordance with ACMG guidelines (Richards et al., 2015)